The following is an entry in ClinVar:

NM_020745.4(AARS2):c.82C>G (p.Arg28Gly)

Gene: AARS2 (alanyl-tRNA synthetase 2, mitochondrial; minus strand). Cytogenetic location: 6p21.1.
Variant type: single nucleotide variant.
Coding change: c.82C>G on transcript NM_020745.4 (MANE Select); coding-DNA position 82, C replaced by G.
Protein change: p.Arg28Gly; replaces arginine 28 with glycine.
Molecular consequence: missense variant.
Genome position (GRCh38, 1-based): chr6:44,313,242, G>C on the plus strand (C>G on the coding strand, the complement: AARS2 is on the minus strand). VCF-style: chr6-44313242-G-C. GRCh37 (hg19) VCF-style: chr6-44280979-G-C.
Other names: c.82C>G (NM_020745.2); short protein forms R28G.
Identifiers: ClinVar variation 908309 (VCV000908309.14), dbSNP rs758360552, ClinGen allele CA3834745.

ClinVar aggregate classification (germline): Uncertain significance. Review status: criteria provided, multiple submitters, no conflicts (2 of 4 stars). 4 submissions from 4 submitters: Uncertain significance (4). Last evaluated 2025-04-12.

Conditions:
Combined oxidative phosphorylation defect type 8. Also called: CARDIOMYOPATHY, HYPERTROPHIC MITOCHONDRIAL, FATAL INFANTILE. Identifiers: Orphanet 319504, MedGen C4518839, MONDO:0013570, OMIM 614096.
Mitochondrial disease. Also called: Mitochondrial disorder; Mitochondrial disorders. Identifiers: Orphanet 68380, MedGen C0751651, MeSH D028361, MONDO:0044970.
Inborn genetic diseases. Identifiers: MedGen C0950123, MeSH D030342.

Allele frequency attached by ClinVar (database versions not stated): gnomAD exomes 0.00005 and 0.00014; TOPMed 0.00008; ExAC 0.00009; gnomAD 0.00007 and 0.00008.
gnomAD v4.1: 206 of 1,583,054 alleles (0.013%); highest among the groups gnomAD compares: Non-Finnish European, 0.017%; no homozygotes.

Submissions (4):

Ambry Genetics
Classification: Uncertain significance for Inborn genetic diseases. Last evaluated: 2025-04-12. Review status: criteria provided, single submitter. Criteria: Ambry Variant Classification Scheme 2023. Collection method: clinical testing. Allele origin: germline.

Labcorp Genetics (formerly Invitae), Labcorp
Classification: Uncertain significance. Last evaluated: 2025-01-06. Review status: criteria provided, single submitter. Criteria: Invitae Variant Classification Sherloc (09022015). Collection method: clinical testing. Allele origin: germline.
Comment: This sequence change replaces arginine, which is basic and polar, with glycine, which is neutral and non-polar, at codon 28 of the AARS2 protein (p.Arg28Gly). This variant is present in population databases (rs758360552, gnomAD 0.01%). This variant has not been reported in the literature in individuals affected with AARS2-related conditions. ClinVar contains an entry for this variant (Variation ID: 908309). Invitae Evidence Modeling of protein sequence and biophysical properties (such as structural, functional, and spatial information, amino acid conservation, physicochemical variation, residue mobility, and thermodynamic stability) indicates that this missense variant is not expected to disrupt AARS2 protein function with a negative predictive value of 95%. In summary, the available evidence is currently insufficient to determine the role of this variant in disease. Therefore, it has been classified as a Variant of Uncertain Significance.

Department of Pathology and Laboratory Medicine, Sinai Health System
Classification: Uncertain significance for mitochondrial disease. Last evaluated: 2021-07-30. Review status: criteria provided, single submitter. Criteria: ACMG Guidelines, 2015. Collection method: research. Allele origin: germline.

Illumina Laboratory Services, Illumina
Classification: Uncertain significance for Combined oxidative phosphorylation defect type 8. Last evaluated: 2018-01-13. Review status: criteria provided, single submitter. Criteria: ICSL Variant Classification Criteria 13 December 2019. Collection method: clinical testing. Allele origin: germline.